The following is an entry in ClinVar:

ClinVar aggregate classification (germline): Pathogenic (1 of 4 stars; one submission).

Conditions:
Cone-rod dystrophy 2 (CORD2). Also called: CONE-ROD RETINAL DYSTROPHY; Cone-rod retinal dystrophy 2. Identifiers: Orphanet 1872, MedGen C3489532, MONDO:0007362, OMIM 120970.
Leber congenital amaurosis 7 (LCA7). Identifiers: Orphanet 65, MedGen C3151192, MONDO:0013449, OMIM 613829.

Submission:

Labcorp Genetics (formerly Invitae), Labcorp
Classification: Pathogenic for Cone-rod dystrophy 2; Leber congenital amaurosis 7. Last evaluated: 2024-08-28. Review status: criteria provided, single submitter. Criteria: Invitae Variant Classification Sherloc (09022015). Collection method: clinical testing. Allele origin: germline.
Comment: This sequence change affects a donor splice site in intron 3 of the CRX gene. While this variant is not anticipated to result in nonsense mediated decay, it likely alters RNA splicing and results in a disrupted protein product. This variant is not present in population databases (gnomAD no frequency). This variant has not been reported in the literature in individuals affected with CRX-related conditions. Variants that disrupt the consensus splice site are a relatively common cause of aberrant splicing (PMID: 17576681, 9536098). Algorithms developed to predict the effect of sequence changes on RNA splicing suggest that this variant may disrupt the consensus splice site. This variant disrupts a region of the CRX protein in which other variant(s) (p.Tyr258*) have been determined to be pathogenic (PMID: 22968130, 25270190). This suggests that this is a clinically significant region of the protein, and that variants that disrupt it are likely to be disease-causing. For these reasons, this variant has been classified as Pathogenic.

Literature cited by the submitters: PubMed 17576681; PubMed 9536098; PubMed 22968130; PubMed 25270190.

NM_000554.6(CRX):c.252+2T>G

Gene: CRX (cone-rod homeobox; plus strand). Cytogenetic location: 19q13.33.
Variant type: single nucleotide variant.
Coding change: c.252+2T>G on transcript NM_000554.6 (MANE Select); the canonical splice donor site of the intron after coding-DNA position 252, T replaced by G.
Molecular consequence: splice donor variant.
Genome position (GRCh38, 1-based): chr19:47,836,396, T>G. VCF-style: chr19-47836396-T-G. GRCh37 (hg19) VCF-style: chr19-48339653-T-G.
Identifiers: ClinVar variation 3757794 (VCV003757794.2).
Genomic context (GRCh38, chr19:47,836,396, plus strand): 5'-ACGTCTATGCCCGTGAGGAGGTGGCTCTGAAGATCAATCTGCCTGAGTCCAGGGTTCAGG[T>G]GGGGTGGTGGGTCCCTGGACCCCTCCCGACACTTCCTGTGATCTCAGGAGGCCTGCCCGG-3'